The following is an entry in ClinVar:

NM_000051.4(ATM):c.6229C>A (p.Leu2077Ile)

Genes: ATM (ATM serine/threonine kinase; plus strand), C11orf65 (chromosome 11 open reading frame 65; minus strand). Cytogenetic location: 11q22.3.
Variant type: single nucleotide variant.
Coding change: c.6229C>A on transcript NM_000051.4 (MANE Select); coding-DNA position 6229, C replaced by A.
Protein change: p.Leu2077Ile; replaces leucine 2077 with isoleucine.
Molecular consequence: missense variant. On other transcripts: intron variant (2).
Genome position (GRCh38, 1-based): chr11:108,317,403, C>A. VCF-style: chr11-108317403-C-A. GRCh37 (hg19) VCF-style: chr11-108188130-C-A.
Other names: c.6229C>A, p.Leu2077Ile (NM_001351834.2); c.641-8332G>T (NM_001330368.2); c.*39-8332G>T (NM_001351110.2); short protein forms L2077I.
Identifiers: ClinVar variation 1488879 (VCV001488879.8), dbSNP rs1591789195, ClinGen allele CA382551169.

ClinVar aggregate classification (germline): Uncertain significance. Review status: criteria provided, multiple submitters, no conflicts (2 of 4 stars). 2 submissions from 2 submitters: Uncertain significance (2). Last evaluated 2025-04-21.

Conditions:
Hereditary cancer-predisposing syndrome. Also called: Neoplastic Syndromes, Hereditary; Tumor predisposition; Hereditary Cancer Syndrome; Hereditary neoplastic syndrome. Identifiers: Orphanet 140162, MedGen C0027672, MeSH D009386, MONDO:0015356.
Ataxia-telangiectasia syndrome (AT). Also called: LOUIS-BAR SYNDROME; Cerebello-oculocutaneous telangiectasia; Immunodeficiency with ataxia telangiectasia; Ataxia telangiectasia (A-T); Ataxia-telangiectasia, complementation group D; AT, COMPLEMENTATION GROUP C. Identifiers: Orphanet 100, MedGen C0004135, MONDO:0008840, OMIM 208900.

Submissions (2):

Labcorp Genetics (formerly Invitae), Labcorp
Classification: Uncertain significance for Ataxia-telangiectasia syndrome. Last evaluated: 2025-04-21. Review status: criteria provided, single submitter. Criteria: Invitae Variant Classification Sherloc (09022015). Collection method: clinical testing. Allele origin: germline.
Comment: This sequence change replaces leucine, which is neutral and non-polar, with isoleucine, which is neutral and non-polar, at codon 2077 of the ATM protein (p.Leu2077Ile). This variant is not present in population databases (gnomAD no frequency). This variant has not been reported in the literature in individuals affected with ATM-related conditions. ClinVar contains an entry for this variant (Variation ID: 1488879). Invitae Evidence Modeling of protein sequence and biophysical properties (such as structural, functional, and spatial information, amino acid conservation, physicochemical variation, residue mobility, and thermodynamic stability) indicates that this missense variant is not expected to disrupt ATM protein function with a negative predictive value of 95%. In summary, the available evidence is currently insufficient to determine the role of this variant in disease. Therefore, it has been classified as a Variant of Uncertain Significance.

Ambry Genetics
Classification: Uncertain significance for Hereditary cancer-predisposing syndrome. Last evaluated: 2019-06-05. Review status: criteria provided, single submitter. Criteria: Ambry Variant Classification Scheme 2023. Collection method: clinical testing. Allele origin: germline.
Comment: The p.L2077I variant (also known as c.6229C>A), located in coding exon 42 of the ATM gene, results from a C to A substitution at nucleotide position 6229. The leucine at codon 2077 is replaced by isoleucine, an amino acid with highly similar properties. This amino acid position is highly conserved in available vertebrate species. In addition, the in silico prediction for this alteration is inconclusive. Since supporting evidence is limited at this time, the clinical significance of this alteration remains unclear.